The following is an entry in ClinVar:

ClinVar aggregate classification (germline): Conflicting classifications of pathogenicity. Review status: criteria provided, conflicting classifications (1 of 4 stars). 2 submissions from 2 submitters: Likely pathogenic (1); Uncertain significance (1). Last evaluated 2025-11-18.

Conditions:
Tatton-Brown-Rahman overgrowth syndrome. Also called: Tatton-Brown-Rahman syndrome; Tall stature-intellectual disability-facial dysmorphism syndrome. Identifiers: Orphanet 404443, MedGen C4014545, MONDO:0014382, OMIM 615879.

gnomAD v4.1: 7 of 1,611,954 alleles (0.00043%); highest among the groups gnomAD compares: East Asian, 0.0022%; no homozygotes.

Submissions (2):

Clinical Genetics and Genomics, Karolinska University Hospital
Classification: Likely pathogenic for Tatton-Brown-Rahman overgrowth syndrome. Last evaluated: 2025-11-18. Review status: criteria provided, single submitter. Criteria: ACMG Guidelines, 2015. Collection method: clinical testing. Allele origin: germline. Inheritance: Autosomal dominant inheritance. Affected: yes.

Labcorp Genetics (formerly Invitae), Labcorp
Classification: Uncertain significance for Tatton-Brown-Rahman overgrowth syndrome. Last evaluated: 2023-08-06. Review status: criteria provided, single submitter. Criteria: Invitae Variant Classification Sherloc (09022015). Collection method: clinical testing. Allele origin: germline.
Comment: In summary, the available evidence is currently insufficient to determine the role of this variant in disease. Therefore, it has been classified as a Variant of Uncertain Significance. This variant disrupts the p.Tyr735 amino acid residue in DNMT3A. Other variant(s) that disrupt this residue have been observed in individuals with DNMT3A-related conditions (PMID: 29900417, 34788385), which suggests that this may be a clinically significant amino acid residue. Advanced modeling of protein sequence and biophysical properties (such as structural, functional, and spatial information, amino acid conservation, physicochemical variation, residue mobility, and thermodynamic stability) performed at Invitae indicates that this missense variant is expected to disrupt DNMT3A protein function. This missense change has been observed in individual(s) with Tatton-Brown-Rahman syndrome (PMID: 29900417, 34788385). In at least one individual the variant was observed to be de novo. The frequency data for this variant in the population databases is considered unreliable, as metrics indicate poor data quality at this position in the gnomAD database. This sequence change replaces tyrosine, which is neutral and polar, with serine, which is neutral and polar, at codon 735 of the DNMT3A protein (p.Tyr735Ser).

Literature cited by the submitters: PubMed 29900417 (cited by Labcorp Genetics (formerly Invitae), Labcorp); PubMed 34788385 (cited by Labcorp Genetics (formerly Invitae), Labcorp).

NM_022552.5(DNMT3A):c.2204A>C (p.Tyr735Ser)

Gene: DNMT3A (DNA methyltransferase 3 alpha; minus strand). Cytogenetic location: 2p23.3.
Variant type: single nucleotide variant.
Coding change: c.2204A>C on transcript NM_022552.5 (MANE Select); coding-DNA position 2204, A replaced by C.
Protein change: p.Tyr735Ser; replaces tyrosine 735 with serine.
Molecular consequence: missense variant. On other transcripts: non-coding transcript variant (1).
Genome position (GRCh38, 1-based): chr2:25,240,420, T>G on the plus strand (A>C on the coding strand, the complement: DNMT3A is on the minus strand). VCF-style: chr2-25240420-T-G. GRCh37 (hg19) VCF-style: chr2-25463289-T-G.
Other names: c.1748A>C, p.Tyr583Ser (NM_001320893.1); c.1535A>C, p.Tyr512Ser (NM_001375819.1); c.1637A>C, p.Tyr546Ser (NM_153759.3); c.2204A>C, p.Tyr735Ser (NM_175629.2); short protein forms Y735S, Y583S, Y546S, Y512S.
Identifiers: ClinVar variation 2730454 (VCV002730454.4), dbSNP rs147828672, ClinGen allele CA1555704.